The following is an entry in ClinVar:

ClinVar aggregate classification (germline): Uncertain significance. Review status: criteria provided, multiple submitters, no conflicts (2 of 4 stars). 4 submissions from 4 submitters: Uncertain significance (4). Last evaluated 2025-11-19.

Conditions:
Hereditary nonpolyposis colorectal neoplasms. Identifiers: MedGen C0009405, MeSH D003123.
Hereditary cancer-predisposing syndrome. Also called: Neoplastic Syndromes, Hereditary; Tumor predisposition; Hereditary Cancer Syndrome; Hereditary neoplastic syndrome. Identifiers: Orphanet 140162, MedGen C0027672, MeSH D009386, MONDO:0015356.

Allele frequency attached by ClinVar (database versions not stated): gnomAD exomes below 0.00001; gnomAD 0.00001.
gnomAD v4.1: 3 of 1,614,034 alleles (0.00019%); highest among the groups gnomAD compares: Middle Eastern, 0.016%; no homozygotes.

Submissions (4):

Labcorp Genetics (formerly Invitae), Labcorp
Classification: Uncertain significance for Hereditary nonpolyposis colorectal neoplasms. Last evaluated: 2025-11-19. Review status: criteria provided, single submitter. Criteria: Invitae Variant Classification Sherloc (09022015). Collection method: clinical testing. Allele origin: germline.
Comment: This sequence change replaces serine, which is neutral and polar, with proline, which is neutral and non-polar, at codon 455 of the PMS2 protein (p.Ser455Pro). This variant is not present in population databases (gnomAD no frequency). This variant has not been reported in the literature in individuals affected with PMS2-related conditions. ClinVar contains an entry for this variant (Variation ID: 484253). Invitae Evidence Modeling incorporating data from in vitro experimental studies (internal data) indicates that this missense variant is not expected to disrupt PMS2 function with a negative predictive value of 95%. In summary, the available evidence is currently insufficient to determine the role of this variant in disease. Therefore, it has been classified as a Variant of Uncertain Significance.

Ambry Genetics
Classification: Uncertain significance for Hereditary cancer-predisposing syndrome. Last evaluated: 2025-04-21. Review status: criteria provided, single submitter. Criteria: Ambry Variant Classification Scheme 2023. Collection method: clinical testing. Allele origin: germline.
Comment: The p.S455P variant (also known as c.1363T>C), located in coding exon 11 of the PMS2 gene, results from a T to C substitution at nucleotide position 1363. The serine at codon 455 is replaced by proline, an amino acid with similar properties. This amino acid position is poorly conserved in available vertebrate species. In addition, this alteration is predicted to be tolerated by in silico analysis. Since supporting evidence is limited at this time, the clinical significance of this alteration remains unclear.

Color Diagnostics, LLC DBA Color Health
Classification: Uncertain significance for Hereditary cancer-predisposing syndrome. Last evaluated: 2025-04-21. Review status: criteria provided, single submitter. Criteria: ACMG Guidelines, 2015. Collection method: clinical testing. Allele origin: germline.
Comment: This missense variant replaces serine with proline at codon 455 of the PMS2 protein. Computational prediction suggests that this variant may not impact protein structure and function. To our knowledge, functional studies have not been reported for this variant. This variant has not been reported in individuals affected with PMS2-related disorders in the literature. This variant has been identified in 1/31396 chromosomes in the general population by the Genome Aggregation Database (gnomAD). The available evidence is insufficient to determine the role of this variant in disease conclusively. Therefore, this variant is classified as a Variant of Uncertain Significance.

Institute for Clinical Genetics, University Hospital TU Dresden, University Hospital TU Dresden
Classification: Uncertain significance. Last evaluated: 2021-11-03. Review status: criteria provided, single submitter. Criteria: ACMG Guidelines, 2015. Collection method: clinical testing. Allele origin: germline.

NM_000535.7(PMS2):c.1363T>C (p.Ser455Pro)

Gene: PMS2 (PMS1 homolog 2, mismatch repair system component; minus strand). Cytogenetic location: 7p22.1.
Variant type: single nucleotide variant.
Coding change: c.1363T>C on transcript NM_000535.7 (MANE Select); coding-DNA position 1363, T replaced by C.
Protein change: p.Ser455Pro; replaces serine 455 with proline.
Molecular consequence: missense variant. On other transcripts: non-coding transcript variant (1).
Genome position (GRCh38, 1-based): chr7:5,987,402, A>G on the plus strand (T>C on the coding strand, the complement: PMS2 is on the minus strand). VCF-style: chr7-5987402-A-G. GRCh37 (hg19) VCF-style: chr7-6027033-A-G.
Other names: c.958T>C, p.Ser320Pro (NM_001322003.2, NM_001322004.2, NM_001322005.2 and 1 more transcripts); c.1207T>C, p.Ser403Pro (NM_001322006.2); c.1045T>C, p.Ser349Pro (NM_001322007.2, NM_001322008.2); c.802T>C, p.Ser268Pro (NM_001322010.2); c.430T>C, p.Ser144Pro (NM_001322011.2, NM_001322012.2); c.790T>C, p.Ser264Pro (NM_001322013.2); c.1363T>C, p.Ser455Pro (NM_001322014.2); c.1054T>C, p.Ser352Pro (NM_001322015.2); short protein forms S455P, S144P, S268P, S320P, S349P, S403P, S352P, S264P.
Identifiers: ClinVar variation 484253 (VCV000484253.21), dbSNP rs1554297839, ClinGen allele CA366742241.